The following is an entry in ClinVar:

ClinVar aggregate classification (germline): Conflicting classifications of pathogenicity. Review status: criteria provided, conflicting classifications (1 of 4 stars). 2 submissions from 2 submitters: Likely pathogenic (1); Uncertain significance (1). Last evaluated 2024-09-11.

Conditions:
Dyskeratosis congenita, autosomal recessive 6 (DKCB6). Identifiers: MedGen C4225356, MONDO:0014600, OMIM 616353.
Pulmonary fibrosis and/or bone marrow failure, Telomere-related, 4. Also called: PULMONARY FIBROSIS AND/OR BONE MARROW FAILURE SYNDROME, TELOMERE-RELATED, 4. Identifiers: Orphanet 2032, MedGen C4225347, MONDO:0014612, OMIM 616371.

gnomAD v4.1: 3 of 1,555,074 alleles (0.00019%); highest among the groups gnomAD compares: Non-Finnish European, 0.00027%; no homozygotes.

Submissions (2):

Labcorp Genetics (formerly Invitae), Labcorp
Classification: Likely pathogenic for Dyskeratosis congenita, autosomal recessive 6; Pulmonary fibrosis and/or bone marrow failure, Telomere-related, 4. Last evaluated: 2024-09-11. Review status: criteria provided, single submitter. Criteria: Invitae Variant Classification Sherloc (09022015). Collection method: clinical testing. Allele origin: germline.
Comment: This sequence change affects a donor splice site in intron 3 of the PARN gene. It is expected to disrupt RNA splicing. Variants that disrupt the donor or acceptor splice site typically lead to a loss of protein function (PMID: 16199547), and loss-of-function variants in PARN are known to be pathogenic (PMID: 9736620, 25848748, 26810774). This variant is not present in population databases (gnomAD no frequency). This variant has not been reported in the literature in individuals affected with PARN-related conditions. Algorithms developed to predict the effect of sequence changes on RNA splicing suggest that this variant may disrupt the consensus splice site. In summary, the currently available evidence indicates that the variant is pathogenic, but additional data are needed to prove that conclusively. Therefore, this variant has been classified as Likely Pathogenic.

Blueprint Genetics
Classification: Uncertain significance. Last evaluated: 2021-11-23. Review status: criteria provided, single submitter. Criteria: ACMG Guidelines, 2015. Collection method: clinical testing. Allele origin: germline.

Literature cited by the submitters: PubMed 16199547 (cited by Labcorp Genetics (formerly Invitae), Labcorp); PubMed 9736620 (cited by Labcorp Genetics (formerly Invitae), Labcorp); PubMed 25848748 (cited by Labcorp Genetics (formerly Invitae), Labcorp); PubMed 26810774 (cited by Labcorp Genetics (formerly Invitae), Labcorp).

NM_002582.4(PARN):c.177+1G>A

Gene: PARN (poly(A)-specific ribonuclease; minus strand). Cytogenetic location: 16p13.12.
Variant type: single nucleotide variant.
Coding change: c.177+1G>A on transcript NM_002582.4 (MANE Select); the canonical splice donor site of the intron after coding-DNA position 177, G replaced by A.
Molecular consequence: splice donor variant. On other transcripts: intron variant (1).
Genome position (GRCh38, 1-based): chr16:14,628,171, C>T on the plus strand (G>A on the coding strand, the complement: PARN is on the minus strand). VCF-style: chr16-14628171-C-T. GRCh37 (hg19) VCF-style: chr16-14722028-C-T.
Other names: c.-7+1G>A (NM_001134477.3); c.158+20G>A (NM_001242992.2).
Identifiers: ClinVar variation 3762267 (VCV003762267.3).